The following is an entry in ClinVar:

ClinVar aggregate classification (germline): Benign. Review status: criteria provided, multiple submitters, no conflicts (2 of 4 stars). 3 submissions from 3 submitters: Benign (3). Last evaluated 2025-11-24.

Conditions:
Mitochondrial disease. Also called: Mitochondrial disorder; Mitochondrial disorders. Identifiers: Orphanet 68380, MedGen C0751651, MeSH D028361, MONDO:0044970.

Allele frequency attached by ClinVar (database versions not stated): gnomAD exomes 0.04478; TOPMed 0.09563; gnomAD 0.08314 and 0.08615; 1000 Genomes Project 0.13738; 1000 Genomes Project 30x 0.13882.
gnomAD v4.1: 76,448 of 1,557,034 alleles (4.9%); highest among the groups gnomAD compares: Admixed American, 17%; 4,317 homozygotes.

Submissions (3):

Genomenon, Inc
Classification: Benign for Mitochondrial disease. Last evaluated: 2025-11-24. Review status: criteria provided, single submitter. Criteria: Genomenon Sequence Variant Interpretation Standards - Updated. Collection method: curation. Allele origin: germline. Affected: no.
Comment: TK2 c.125-116G>A is an intronic variant located in intron 1. This variant is present at a high allele frequency in gnomAD. In conclusion, we classify TK2 c.125-116G>A as a benign variant.

GeneDx
Classification: Benign. Last evaluated: 2018-06-16. Review status: criteria provided, single submitter. Criteria: GeneDx Variant Classification (06012015). Collection method: clinical testing. Allele origin: germline. Affected: yes.
Comment: This variant is considered likely benign or benign based on one or more of the following criteria: it is a conservative change, it occurs at a poorly conserved position in the protein, it is predicted to be benign by multiple in silico algorithms, and/or has population frequency not consistent with disease.

Breakthrough Genomics
Classification: Benign. Review status: criteria provided, single submitter. Criteria: ACMG Guidelines, 2015. Collection method: not provided. Allele origin: germline. Inheritance: Autosomal recessive inheritance. Affected: yes.

NM_004614.5(TK2):c.125-116G>A

Gene: TK2 (thymidine kinase 2; minus strand). Cytogenetic location: 16q21.
Variant type: single nucleotide variant.
Coding change: c.125-116G>A on transcript NM_004614.5 (MANE Select); 116 bases into the intron before coding-DNA position 125, G replaced by A.
Molecular consequence: intron variant. On other transcripts: non-coding transcript variant (1).
Genome position (GRCh38, 1-based): chr16:66,549,125, C>T on the plus strand (G>A on the coding strand, the complement: TK2 is on the minus strand). VCF-style: chr16-66549125-C-T. GRCh37 (hg19) VCF-style: chr16-66583028-C-T.
Other names: c.32-116G>A (NM_001271935.1, NM_001172643.1); c.125-116G>A (NM_001172644.2, NM_001172645.2); c.-118-116G>A (NM_001271934.2); c.-167-116G>A (NM_001272050.2).
Identifiers: ClinVar variation 676447 (VCV000676447.4), dbSNP rs3743713, ClinGen allele CA282198564.
Genomic context (GRCh38, chr16:66,549,125, plus strand): 5'-CCTAATTTGCTACATGACCACAAAAACACTAATGTTTATGCTCACTCCCTGGCCTAAAAA[C>T]ATTTTCCATTTTGGGCGCCCTCCGAGATTGGAGGCGCGCACCACCGTCTCGCCGATGTGC-3'